The following is an entry in ClinVar:

NM_000051.4(ATM):c.8089A>G (p.Asn2697Asp)

Genes: ATM (ATM serine/threonine kinase; plus strand), C11orf65 (chromosome 11 open reading frame 65; minus strand). Cytogenetic location: 11q22.3.
Variant type: single nucleotide variant.
Coding change: c.8089A>G on transcript NM_000051.4 (MANE Select); coding-DNA position 8089, A replaced by G.
Protein change: p.Asn2697Asp; replaces asparagine 2697 with aspartic acid.
Molecular consequence: missense variant. On other transcripts: intron variant (2).
Genome position (GRCh38, 1-based): chr11:108,335,047, A>G. VCF-style: chr11-108335047-A-G. GRCh37 (hg19) VCF-style: chr11-108205774-A-G.
Other names: c.8089A>G, p.Asn2697Asp (NM_001351834.2); c.641-25976T>C (NM_001330368.2); c.*38+173T>C (NM_001351110.2); short protein forms N2697D.
Identifiers: ClinVar variation 479023 (VCV000479023.18), dbSNP rs1555127177, ClinGen allele CA382562053.

ClinVar aggregate classification (germline): Uncertain significance. Review status: criteria provided, multiple submitters, no conflicts (2 of 4 stars). 4 submissions from 4 submitters: Uncertain significance (4). Last evaluated 2025-09-14.

Conditions:
Hereditary cancer-predisposing syndrome. Also called: Neoplastic Syndromes, Hereditary; Hereditary Cancer Syndrome; Tumor predisposition; Hereditary neoplastic syndrome. Identifiers: Orphanet 140162, MedGen C0027672, MeSH D009386, MONDO:0015356.
Ataxia-telangiectasia syndrome (AT). Also called: LOUIS-BAR SYNDROME; Cerebello-oculocutaneous telangiectasia; Immunodeficiency with ataxia telangiectasia; Ataxia-telangiectasia, complementation group D; AT, COMPLEMENTATION GROUP C; Ataxia-telangiectasia, complementation group E. Identifiers: Orphanet 100, MedGen C0004135, MONDO:0008840, OMIM 208900.

Submissions (4):

Labcorp Genetics (formerly Invitae), Labcorp
Classification: Uncertain significance for Ataxia-telangiectasia syndrome. Last evaluated: 2025-09-14. Review status: criteria provided, single submitter. Criteria: Invitae Variant Classification Sherloc (09022015). Collection method: clinical testing. Allele origin: germline.
Comment: This sequence change replaces asparagine, which is neutral and polar, with aspartic acid, which is acidic and polar, at codon 2697 of the ATM protein (p.Asn2697Asp). This variant is not present in population databases (gnomAD no frequency). This variant has not been reported in the literature in individuals affected with ATM-related conditions. ClinVar contains an entry for this variant (Variation ID: 479023). Invitae Evidence Modeling of protein sequence and biophysical properties (such as structural, functional, and spatial information, amino acid conservation, physicochemical variation, residue mobility, and thermodynamic stability) indicates that this missense variant is expected to disrupt ATM protein function with a positive predictive value of 80%. In summary, the available evidence is currently insufficient to determine the role of this variant in disease. Therefore, it has been classified as a Variant of Uncertain Significance.

Ambry Genetics
Classification: Uncertain significance for Hereditary cancer-predisposing syndrome. Last evaluated: 2025-07-01. Review status: criteria provided, single submitter. Criteria: Ambry Variant Classification Scheme 2023. Collection method: clinical testing. Allele origin: germline.
Comment: The p.N2697D variant (also known as c.8089A>G), located in coding exon 54 of the ATM gene, results from an A to G substitution at nucleotide position 8089. The asparagine at codon 2697 is replaced by aspartic acid, an amino acid with highly similar properties. This alteration was reported in the germline of one patient with mantle cell lymphoma from a cohort of 120 lymphoma patients (Fang NY et al. Proc. Natl. Acad. Sci. U.S.A., 2003 Apr;100:5372-7). This amino acid position is highly conserved in available vertebrate species. In addition, the in silico prediction for this alteration is inconclusive. Based on the available evidence, the clinical significance of this variant remains unclear.

Athena Diagnostics
Classification: Uncertain significance. Last evaluated: 2025-01-17. Review status: criteria provided, single submitter. Criteria: Athena Diagnostics Criteria. Collection method: clinical testing. Allele origin: unknown.
Comment: Available data are insufficient to determine the clinical significance of the variant at this time. This variant has not been reported in large, multi-ethnic general populations. Polyphen and MutationTaster predict this amino acid change may be damaging to the protein.

Color Diagnostics, LLC DBA Color Health
Classification: Uncertain significance for Hereditary cancer-predisposing syndrome. Last evaluated: 2022-06-06. Review status: criteria provided, single submitter. Criteria: ACMG Guidelines, 2015. Collection method: clinical testing. Allele origin: germline.
Comment: This missense variant replaces asparagine with aspartic acid at codon 2697 of the ATM protein. Computational prediction suggests that this variant may have deleterious impact on protein structure and function (internally defined REVEL score threshold >= 0.7, PMID: 27666373). To our knowledge, functional studies have not been reported for this variant. This variant has been reported in an individual affected with mantle cell lymphoma (PMID: 12697903). This variant has not been identified in the general population by the Genome Aggregation Database (gnomAD). The available evidence is insufficient to determine the role of this variant in disease conclusively. Therefore, this variant is classified as a Variant of Uncertain Significance.

Literature cited by the submitters: PubMed 12697903 (cited by 3 submitters); PubMed 32461694 (cited by Athena Diagnostics).